The following is an entry in ClinVar:

NM_000371.4(TTR):c.70-20C>T

Gene: TTR (transthyretin; plus strand). Cytogenetic location: 18q12.1.
Variant type: single nucleotide variant.
Coding change: c.70-20C>T on transcript NM_000371.4 (MANE Select); 20 bases into the intron before coding-DNA position 70, C replaced by T.
Molecular consequence: intron variant.
Genome position (GRCh38, 1-based): chr18:31,592,876, C>T. VCF-style: chr18-31592876-C-T. GRCh37 (hg19) VCF-style: chr18-29172839-C-T.
Identifiers: ClinVar variation 391990 (VCV000391990.5), dbSNP rs773578107, ClinGen allele CA8928398.

ClinVar aggregate classification (germline): Likely benign. Review status: criteria provided, multiple submitters, no conflicts (2 of 4 stars). 3 submissions from 3 submitters: Likely benign (3). Last evaluated 2025-08-15.

Conditions:
Amyloidosis, hereditary systemic 1 (AMYLD1). Also called: Hereditary Transthyretin Amyloidosis; Familial amyloid polyneuropathy; Transthyretin Amyloidosis; AMYLOID CARDIOMYOPATHY; Isolated Cardiac Amyloidosis; Amyloid Cardiomyopathy, Transthyretin-related. Identifiers: Orphanet 85447, Orphanet 85451, MedGen C2751492, MONDO:0971004, OMIM 105210.
Hyperthyroxinemia, dystransthyretinemic. Also called: EUTHRYROIDAL HYPERTHYROXINEMIA 2; HYPERTHYROXINEMIA, DYSPREALBUMINEMIC. Identifiers: MedGen C2750824, MONDO:0007785, OMIM 145680.
Carpal tunnel syndrome 1 (CTS1). Also called: Carpal tunnel syndrome, familial. Identifiers: MedGen C5779776, MONDO:0020730, OMIM 115430.

Allele frequency attached by ClinVar (database versions not stated): gnomAD exomes 0.00002; TOPMed 0.00002; gnomAD 0.00003; ExAC 0.00002.
gnomAD v4.1: 23 of 1,613,250 alleles (0.0014%); highest among the groups gnomAD compares: African/African-American, 0.011%; no homozygotes.

Submissions (3):

Labcorp Genetics (formerly Invitae), Labcorp
Classification: Likely benign for Amyloidosis, hereditary systemic 1. Last evaluated: 2025-08-15. Review status: criteria provided, single submitter. Criteria: Invitae Variant Classification Sherloc (09022015). Collection method: clinical testing. Allele origin: germline.

Fulgent Genetics
Classification: Likely benign for Amyloidosis, hereditary systemic 1; Carpal tunnel syndrome 1; Hyperthyroxinemia, dystransthyretinemic. Last evaluated: 2022-04-14. Review status: criteria provided, single submitter. Criteria: ACMG Guidelines, 2015. Collection method: clinical testing. Allele origin: unknown.

GeneDx
Classification: Likely benign. Last evaluated: 2016-12-21. Review status: criteria provided, single submitter. Criteria: GeneDx Variant Classification (06012015). Collection method: clinical testing. Allele origin: germline. Affected: yes.
Comment: This variant is considered likely benign or benign based on one or more of the following criteria: it is a conservative change, it occurs at a poorly conserved position in the protein, it is predicted to be benign by multiple in silico algorithms, and/or has population frequency not consistent with disease.